The following is an entry in ClinVar:

ClinVar aggregate classification (germline): Conflicting classifications of pathogenicity. Review status: criteria provided, conflicting classifications (1 of 4 stars). 10 submissions from 10 submitters: Uncertain significance (8); Benign (1). 1 of the submissions does not count toward it. Last evaluated 2026-01-19.

Conditions:
DYSF-related disorder. Also called: DYSF-related condition; DYSF-related disorders.
Inborn genetic diseases. Identifiers: MedGen C0950123, MeSH D030342.
Autosomal recessive limb-girdle muscular dystrophy. Identifiers: Orphanet 102015, MedGen C2931907, MONDO:0015152.
Neuromuscular disease caused by qualitative or quantitative defects of dysferlin. Also called: Dysferlinopathy; Qualitative or quantitative defects of dysferlin. Identifiers: Orphanet 207073, MedGen C2931687, MONDO:0016145.
Miyoshi muscular dystrophy 1 (MMD1). Identifiers: Orphanet 45448, MedGen C4551973, MONDO:0024545, OMIM 254130.

Allele frequency attached by ClinVar (database versions not stated): gnomAD exomes 0.00012 and 0.00018; ExAC 0.00023; gnomAD 0.00054 and 0.00059; ESP Exome Variant Server 0.00062; TOPMed 0.00068; 1000 Genomes Project 0.00120; 1000 Genomes Project 30x 0.00141.
gnomAD v4.1: 256 of 1,613,826 alleles (0.016%); highest among the groups gnomAD compares: African/African-American, 0.2%; no homozygotes.

Submissions (10):

Labcorp Genetics (formerly Invitae), Labcorp
Classification: Benign for Neuromuscular disease caused by qualitative or quantitative defects of dysferlin. Last evaluated: 2026-01-19. Review status: criteria provided, single submitter. Criteria: Invitae Variant Classification Sherloc (09022015). Collection method: clinical testing. Allele origin: germline.

GeneDx
Classification: Uncertain significance. Last evaluated: 2025-10-08. Review status: criteria provided, single submitter. Criteria: GeneDx Variant Classification Process June 2021. Collection method: clinical testing. Allele origin: germline. Affected: yes.
Comment: Observed in heterozygous state in a patient with limb girdle muscular dystrophy (PMID: 39678382); In silico analysis supports that this missense variant has a deleterious effect on protein structure/function; This variant is associated with the following publications: (PMID: 24438169, 39678382)

Myriad Genetics, Inc.
Classification: Uncertain significance for Autosomal recessive limb-girdle muscular dystrophy. Last evaluated: 2025-08-04. Review status: criteria provided, single submitter. Criteria: Myriad Autosomal Dominant, Autosomal Recessive and X-Linked Classification Criteria (2023). Collection method: clinical testing. Allele origin: unknown.
Comment: NM_003494.3(DYSF):c.3760C>T(R1254W) is a missense variant classified as a variant of uncertain significance in the context of dysferlinopathy. R1254W has been observed in a case with relevant disease (PMID: 39678382). Relevant functional assessments of this variant are not available in the literature. R1254W has been observed in referenced population frequency databases. In summary, there is insufficient evidence to classify NM_003494.3(DYSF):c.3760C>T(R1254W) as pathogenic or benign. Please note: this variant was assessed in the context of healthy population screening.

Revvity Omics, Revvity
Classification: Uncertain significance. Last evaluated: 2023-06-14. Review status: criteria provided, single submitter. Criteria: ACMG Guidelines, 2015. Collection method: clinical testing. Allele origin: germline.

CeGaT Center for Human Genetics Tuebingen
Classification: Uncertain significance. Last evaluated: 2021-12-01. Review status: criteria provided, single submitter. Criteria: CeGaT Center For Human Genetics Tuebingen Variant Classification Criteria Version 2. Collection method: clinical testing. Allele origin: germline. Affected: yes. Observed: 1 variant allele.

Ambry Genetics
Classification: Uncertain significance for Inborn genetic diseases. Last evaluated: 2021-09-17. Review status: criteria provided, single submitter. Criteria: Ambry Variant Classification Scheme 2023. Collection method: clinical testing. Allele origin: germline.

Baylor Genetics
Classification: Uncertain significance for Miyoshi muscular dystrophy 1. Last evaluated: 2018-01-02. Review status: criteria provided, single submitter. Criteria: ACMG Guidelines, 2015. Collection method: clinical testing. Allele origin: maternal. Affected: yes.
Comment: This variant was determined to be of uncertain significance according to ACMG Guidelines, 2015 [PMID:25741868].

Eurofins Ntd Llc (ga)
Classification: Uncertain significance. Last evaluated: 2017-04-03. Review status: criteria provided, single submitter. Criteria: EGL Classification Definitions 2015. Collection method: clinical testing. Allele origin: germline. Observed: 8 variant alleles, 8 heterozygotes.

Athena Diagnostics
Classification: Uncertain significance. Last evaluated: 2016-12-12. Review status: criteria provided, single submitter. Criteria: Athena Diagnostics Criteria. Collection method: clinical testing. Allele origin: germline.

PreventionGenetics, part of Exact Sciences
Classification: Likely benign for DYSF-related condition. Last evaluated: 2022-07-07. Review status: no assertion criteria provided. Collection method: clinical testing. Allele origin: germline. Not counted in ClinVar's aggregate classification.
Comment: This variant is classified as likely benign based on ACMG/AMP sequence variant interpretation guidelines (Richards et al. 2015 PMID: 25741868, with internal and published modifications).

Literature cited by the submitters: PubMed 39678382 (cited by Myriad Genetics, Inc.).

NM_001130987.2(DYSF):c.3814C>T (p.Arg1272Trp)

Gene: DYSF (dysferlin; plus strand). Cytogenetic location: 2p13.2.
Variant type: single nucleotide variant.
Coding change: c.3814C>T on transcript NM_001130987.2 (MANE Select); coding-DNA position 3814, C replaced by T.
Protein change: p.Arg1272Trp; replaces arginine 1272 with tryptophan.
Molecular consequence: missense variant.
Genome position (GRCh38, 1-based): chr2:71,600,759, C>T. VCF-style: chr2-71600759-C-T. GRCh37 (hg19) VCF-style: chr2-71827889-C-T.
Other names: c.3763C>T, p.Arg1255Trp (NM_001130455.2, NM_001130983.2); c.3718C>T, p.Arg1240Trp (NM_001130976.2, NM_001130977.2); c.3760C>T, p.Arg1254Trp (NM_001130978.2, NM_003494.4); c.3853C>T, p.Arg1285Trp (NM_001130979.2); c.3811C>T, p.Arg1271Trp (NM_001130980.2, NM_001130981.2); c.3856C>T, p.Arg1286Trp (NM_001130982.2); c.3721C>T, p.Arg1241Trp (NM_001130984.2, NM_001130986.2); c.3814C>T, p.Arg1272Trp (NM_001130985.2); short protein forms R1254W, R1272W, R1285W, R1271W, R1286W, R1240W, R1241W, R1255W.
Identifiers: ClinVar variation 196895 (VCV000196895.58), dbSNP rs146970014, ClinGen allele CA244680.